The following is an entry in ClinVar:

NM_002230.4(JUP):c.1868C>T (p.Ala623Val)

Gene: JUP (junction plakoglobin; minus strand). Cytogenetic location: 17q21.2.
Variant type: single nucleotide variant.
Coding change: c.1868C>T on transcript NM_002230.4 (MANE Select); coding-DNA position 1868, C replaced by T.
Protein change: p.Ala623Val; replaces alanine 623 with valine.
Molecular consequence: missense variant.
Genome position (GRCh38, 1-based): chr17:41,757,690, G>A on the plus strand (C>T on the coding strand, the complement: JUP is on the minus strand). VCF-style: chr17-41757690-G-A. GRCh37 (hg19) VCF-style: chr17-39913942-G-A.
Other names: c.1868C>T, p.Ala623Val (NM_001352773.2, NM_001352774.2, NM_001352775.2 and 3 more transcripts); short protein forms A623V.
Identifiers: ClinVar variation 5017805 (VCV005017805.1).
Genomic context (GRCh38, chr17:41,757,690, plus strand): 5'-TCACCAGTGCCCTCGTTGCGGGAGTGCAGCAACTCCATGAGTGGGGCCGAGGCCCCCTCT[G>A]CATCAATGGCGTCGGCCGCCTCCTTGTCCTGGGCCAGCTCACACAGCACCCCGGCAGCCA-3'
Protein context (NP_002221.1, residues 613-633): QDKEAADAID[Ala623Val]EGASAPLMEL

ClinVar aggregate classification (germline): Uncertain significance (1 of 4 stars; one submission).

Submission:

GeneDx
Classification: Uncertain significance. Last evaluated: 2026-03-31. Review status: criteria provided, single submitter. Criteria: GeneDx Variant Classification Process June 2021. Collection method: clinical testing. Allele origin: germline.
Comment: Not observed at significant frequency in large population cohorts (gnomAD); In silico analysis suggests that this missense variant does not alter protein structure/function; Has not been previously published as pathogenic or benign to our knowledge